The following is an entry in ClinVar:

NM_004260.4(RECQL4):c.1837T>A (p.Trp613Arg)

Gene: RECQL4 (RecQ like helicase 4; minus strand). Cytogenetic location: 8q24.3.
Variant type: single nucleotide variant.
Coding change: c.1837T>A on transcript NM_004260.4 (MANE Select); coding-DNA position 1837, T replaced by A.
Protein change: p.Trp613Arg; replaces tryptophan 613 with arginine.
Molecular consequence: missense variant. On other transcripts: non-coding transcript variant (3).
Genome position (GRCh38, 1-based): chr8:144,514,230, A>T on the plus strand (T>A on the coding strand, the complement: RECQL4 is on the minus strand). VCF-style: chr8-144514230-A-T. GRCh37 (hg19) VCF-style: chr8-145739614-A-T.
Other names: c.1741T>A, p.Trp581Arg (NM_001413017.1, NM_001413020.1); c.1837T>A, p.Trp613Arg (NM_001413018.1, NM_001413019.1, NM_001413036.1); c.766T>A, p.Trp256Arg (NM_001413021.1, NM_001413022.1, NM_001413023.1 and 6 more transcripts); c.1708T>A, p.Trp570Arg (NM_001413025.1); c.700T>A, p.Trp234Arg (NM_001413027.1, NM_001413030.1, NM_001413032.1 and 1 more transcripts); c.1486T>A, p.Trp496Arg (NM_001413029.1); c.568T>A, p.Trp190Arg (NM_001413031.1); c.1705T>A, p.Trp569Arg (NM_001413033.1); and 4 more; short protein forms W234R, W246R, W570R, W124R, W212R, W496R, W581R, W613R.
Identifiers: ClinVar variation 3788057 (VCV003788057.1).

ClinVar aggregate classification (germline): Uncertain significance (1 of 4 stars; one submission).

Conditions:
Inborn genetic diseases. Identifiers: MedGen C0950123, MeSH D030342.

Submission:

Ambry Genetics
Classification: Uncertain significance for Inborn genetic diseases. Last evaluated: 2025-02-24. Review status: criteria provided, single submitter. Criteria: Ambry Variant Classification Scheme 2023. Collection method: clinical testing. Allele origin: germline.
Comment: The p.W613R variant (also known as c.1837T>A), located in coding exon 11 of the RECQL4 gene, results from a T to A substitution at nucleotide position 1837. The tryptophan at codon 613 is replaced by arginine, an amino acid with dissimilar properties. This amino acid position is conserved. In addition, this alteration is predicted to be deleterious by in silico analysis. Based on the available evidence, the clinical significance of this variant remains unclear.